The following is an entry in ClinVar:

ClinVar aggregate classification (germline): Likely pathogenic (1 of 4 stars; one submission).

Conditions:
Developmental and epileptic encephalopathy, 42 (DEE42A). Also called: DEVELOPMENTAL AND EPILEPTIC ENCEPHALOPATHY 42A; EPILEPTIC ENCEPHALOPATHY, EARLY INFANTILE, 42A; Epileptic encephalopathy, early infantile, 42. Identifiers: MedGen C4310716, MONDO:0014917, OMIM 617106.
Episodic ataxia type 2 (EA2). Also called: ACETAZOLAMIDE-RESPONSIVE HEREDITARY PAROXYSMAL CEREBELLAR ATAXIA; EPISODIC ATAXIA, NYSTAGMUS-ASSOCIATED; ATAXIA, EPISODIC, WITH NYSTAGMUS; ATAXIA, FAMILIAL PAROXYSMAL; CEREBELLAR ATAXIA, PAROXYSMAL, ACETAZOLAMIDE-RESPONSIVE; CEREBELLOPATHY, HEREDITARY PAROXYSMAL. Identifiers: Orphanet 97, MedGen C1720416, MONDO:0007163, OMIM 108500.

Submission:

Labcorp Genetics (formerly Invitae), Labcorp
Classification: Likely pathogenic for Developmental and epileptic encephalopathy, 42; Episodic ataxia type 2. Last evaluated: 2022-11-29. Review status: criteria provided, single submitter. Criteria: Invitae Variant Classification Sherloc (09022015). Collection method: clinical testing. Allele origin: germline.
Comment: Advanced modeling of protein sequence and biophysical properties (such as structural, functional, and spatial information, amino acid conservation, physicochemical variation, residue mobility, and thermodynamic stability) performed at Invitae indicates that this missense variant is expected to disrupt CACNA1A protein function. This missense change has been observed in individual(s) with clinical features of CACNA1A-related conditions (Invitae). ClinVar contains an entry for this variant (Variation ID: 1019797). This variant disrupts the p.Ile1810 amino acid residue in CACNA1A. Other variant(s) that disrupt this residue have been determined to be pathogenic (PMID: 8898206, 10024348). This suggests that this residue is clinically significant, and that variants that disrupt this residue are likely to be disease-causing. In summary, the currently available evidence indicates that the variant is pathogenic, but additional data are needed to prove that conclusively. Therefore, this variant has been classified as Likely Pathogenic. This sequence change replaces isoleucine, which is neutral and non-polar, with threonine, which is neutral and polar, at codon 1810 of the CACNA1A protein (p.Ile1810Thr). This variant is not present in population databases (gnomAD no frequency).

Literature cited by the submitters: PubMed 8898206; PubMed 10024348.

NM_001127222.2(CACNA1A):c.5426T>C (p.Ile1809Thr)

Gene: CACNA1A (calcium voltage-gated channel subunit alpha1 A; minus strand). Cytogenetic location: 19p13.13.
Variant type: single nucleotide variant.
Coding change: c.5426T>C on transcript NM_001127222.2 (MANE Select); coding-DNA position 5426, T replaced by C.
Protein change: p.Ile1809Thr; replaces isoleucine 1809 with threonine.
Molecular consequence: missense variant.
Genome position (GRCh38, 1-based): chr19:13,230,184, A>G on the plus strand (T>C on the coding strand, the complement: CACNA1A is on the minus strand). VCF-style: chr19-13230184-A-G. GRCh37 (hg19) VCF-style: chr19-13340998-A-G.
Other names: c.5444T>C, p.Ile1815Thr (NM_000068.4, NM_023035.3); c.5429T>C, p.Ile1810Thr (NM_001127221.2); c.5435T>C, p.Ile1812Thr (NM_001174080.2); short protein forms I1809T, I1810T, I1812T, I1815T.
Identifiers: ClinVar variation 1019797 (VCV001019797.9), dbSNP rs2055612479, ClinGen allele CA404333747.